The following is an entry in ClinVar:

NM_000593.6(TAP1):c.283G>A (p.Ala95Thr)

Gene: TAP1 (transporter 1, ATP binding cassette subfamily B member; minus strand). Cytogenetic location: 6p21.32.
Variant type: single nucleotide variant.
Coding change: c.283G>A on transcript NM_000593.6 (MANE Select); coding-DNA position 283, G replaced by A.
Protein change: p.Ala95Thr; replaces alanine 95 with threonine.
Molecular consequence: missense variant.
Genome position (GRCh38, 1-based): chr6:32,853,354, C>T on the plus strand (G>A on the coding strand, the complement: TAP1 is on the minus strand). VCF-style: chr6-32853354-C-T. GRCh37 (hg19) VCF-style: chr6-32821131-C-T.
Other names: short protein forms A95T.
Identifiers: ClinVar variation 1398538 (VCV001398538.8), dbSNP rs2127393913, ClinGen allele CA363582644.

ClinVar aggregate classification (germline): Uncertain significance (1 of 4 stars; one submission).

Conditions:
MHC class I deficiency. Identifiers: Orphanet 34592, MedGen C6024714, MONDO:0011476.

Allele frequency attached by ClinVar (database versions not stated): gnomAD exomes below 0.00001.

Submission:

Labcorp Genetics (formerly Invitae), Labcorp
Classification: Uncertain significance for MHC class I deficiency 1. Last evaluated: 2021-05-31. Review status: criteria provided, single submitter. Criteria: Invitae Variant Classification Sherloc (09022015). Collection method: clinical testing. Allele origin: germline.
Comment: This variant is not present in population databases (ExAC no frequency). In summary, the available evidence is currently insufficient to determine the role of this variant in disease. Therefore, it has been classified as a Variant of Uncertain Significance. Algorithms developed to predict the effect of missense changes on protein structure and function output the following: SIFT: "Tolerated"; PolyPhen-2: "Benign"; Align-GVGD: "Class C0". The threonine amino acid residue is found in multiple mammalian species, suggesting that this missense change does not adversely affect protein function. These predictions have not been confirmed by published functional studies and their clinical significance is uncertain. This variant has not been reported in the literature in individuals with TAP1-related conditions. This sequence change replaces alanine with threonine at codon 155 of the TAP1 protein (p.Ala155Thr). The alanine residue is moderately conserved and there is a small physicochemical difference between alanine and threonine.